The following is an entry in ClinVar:

ClinVar aggregate classification (germline): Uncertain significance (1 of 4 stars; one submission).

Allele frequency attached by ClinVar (database versions not stated): gnomAD exomes below 0.00001; ExAC 0.00001.
gnomAD v4.1: 1 of 1,612,350 alleles (0.000062%); highest among the groups gnomAD compares: Non-Finnish European, 0.000085%; no homozygotes.

Submission:

Labcorp Genetics (formerly Invitae), Labcorp
Classification: Uncertain significance. Last evaluated: 2025-04-21. Review status: criteria provided, single submitter. Criteria: Invitae Variant Classification Sherloc (09022015). Collection method: clinical testing. Allele origin: germline.
Comment: This sequence change replaces glycine, which is neutral and non-polar, with aspartic acid, which is acidic and polar, at codon 490 of the TUBGCP6 protein (p.Gly490Asp). This variant is present in population databases (rs774642339, gnomAD 0.0009%). This variant has not been reported in the literature in individuals affected with TUBGCP6-related conditions. ClinVar contains an entry for this variant (Variation ID: 857830). An algorithm developed to predict the effect of missense changes on protein structure and function (PolyPhen-2) suggests that this variant is likely to be tolerated. In summary, the available evidence is currently insufficient to determine the role of this variant in disease. Therefore, it has been classified as a Variant of Uncertain Significance.

NM_020461.4(TUBGCP6):c.1469G>A (p.Gly490Asp)

Gene: TUBGCP6 (tubulin gamma complex component 6; minus strand). Cytogenetic location: 22q13.33.
Variant type: single nucleotide variant.
Coding change: c.1469G>A on transcript NM_020461.4 (MANE Select); coding-DNA position 1469, G replaced by A.
Protein change: p.Gly490Asp; replaces glycine 490 with aspartic acid.
Molecular consequence: missense variant.
Genome position (GRCh38, 1-based): chr22:50,227,021, C>T on the plus strand (G>A on the coding strand, the complement: TUBGCP6 is on the minus strand). VCF-style: chr22-50227021-C-T. GRCh37 (hg19) VCF-style: chr22-50665450-C-T.
Other names: short protein forms G490D.
Identifiers: ClinVar variation 857830 (VCV000857830.10), dbSNP rs774642339, ClinGen allele CA10308675.